The following is an entry in ClinVar:

ClinVar aggregate classification (germline): Uncertain significance. Review status: criteria provided, multiple submitters, no conflicts (2 of 4 stars). 2 submissions from 2 submitters: Uncertain significance (2). Last evaluated 2022-07-01.

Conditions:
Fanconi anemia complementation group E (FANCE). Also called: FANCE-Related Fanconi Anemia. Identifiers: Orphanet 84, MedGen C3160739, MONDO:0010953, OMIM 600901.

Allele frequency attached by ClinVar (database versions not stated): gnomAD exomes below 0.00001 and 0.00001; ExAC 0.00001.
gnomAD v4.1: 2 of 1,614,194 alleles (0.00012%); highest among the groups gnomAD compares: South Asian, 0.0011%; no homozygotes.

Submissions (2):

Labcorp Genetics (formerly Invitae), Labcorp
Classification: Uncertain significance for Fanconi anemia complementation group E. Last evaluated: 2022-07-01. Review status: criteria provided, single submitter. Criteria: Invitae Variant Classification Sherloc (09022015). Collection method: clinical testing. Allele origin: germline.
Comment: This sequence change replaces proline, which is neutral and non-polar, with threonine, which is neutral and polar, at codon 255 of the FANCE protein (p.Pro255Thr). This variant is present in population databases (rs766901564, gnomAD 0.003%). This variant has not been reported in the literature in individuals affected with FANCE-related conditions. ClinVar contains an entry for this variant (Variation ID: 962434). Algorithms developed to predict the effect of missense changes on protein structure and function output the following: SIFT: "Tolerated"; PolyPhen-2: "Benign"; Align-GVGD: "Class C0". The threonine amino acid residue is found in multiple mammalian species, which suggests that this missense change does not adversely affect protein function. In summary, the available evidence is currently insufficient to determine the role of this variant in disease. Therefore, it has been classified as a Variant of Uncertain Significance.

Blueprint Genetics
Classification: Uncertain significance. Last evaluated: 2022-03-08. Review status: criteria provided, single submitter. Criteria: ACMG Guidelines, 2015. Collection method: clinical testing. Allele origin: germline.

NM_021922.3(FANCE):c.763C>A (p.Pro255Thr)

Gene: FANCE (FA complementation group E; plus strand). Cytogenetic location: 6p21.31.
Variant type: single nucleotide variant.
Coding change: c.763C>A on transcript NM_021922.3 (MANE Select); coding-DNA position 763, C replaced by A.
Protein change: p.Pro255Thr; replaces proline 255 with threonine.
Molecular consequence: missense variant.
Genome position (GRCh38, 1-based): chr6:35,456,261, C>A. VCF-style: chr6-35456261-C-A. GRCh37 (hg19) VCF-style: chr6-35424038-C-A.
Other names: short protein forms P255T.
Identifiers: ClinVar variation 962434 (VCV000962434.8), dbSNP rs766901564, ClinGen allele CA3771474.